The following is an entry in ClinVar:

NM_000434.4(NEU1):c.1137C>T (p.Ser379=)

Gene: NEU1 (neuraminidase 1; minus strand). Cytogenetic location: 6p21.33.
Variant type: single nucleotide variant.
Coding change: c.1137C>T on transcript NM_000434.4 (MANE Select); coding-DNA position 1137, C replaced by T.
Protein change: p.Ser379=; no amino-acid change (serine 379 retained).
Molecular consequence: synonymous variant.
Genome position (GRCh38, 1-based): chr6:31,859,830, G>A on the plus strand (C>T on the coding strand, the complement: NEU1 is on the minus strand). VCF-style: chr6-31859830-G-A. GRCh37 (hg19) VCF-style: chr6-31827607-G-A.
Other names: c.1137C>T (NM_000434.3).
Identifiers: ClinVar variation 2890131 (VCV002890131.4), dbSNP rs1393576599, ClinGen allele CA449808340.

ClinVar aggregate classification (germline): Likely benign. Review status: criteria provided, multiple submitters, no conflicts (2 of 4 stars). 2 submissions from 2 submitters: Likely benign (2). Last evaluated 2025-09-03.

Conditions:
NEU1-related disorder. Also called: NEU1-related condition.

Allele frequency attached by ClinVar (database versions not stated): TOPMed below 0.00001; gnomAD 0.00001; gnomAD exomes 0.00002.

Submissions (2):

PreventionGenetics, part of Exact Sciences
Classification: Likely benign for NEU1-related condition. Last evaluated: 2025-09-03. Review status: criteria provided, single submitter. Criteria: ACMG Guidelines, 2015. Collection method: clinical testing. Allele origin: germline.
Comment: This variant is classified as likely benign based on ACMG/AMP sequence variant interpretation guidelines (Richards et al. 2015 PMID: 25741868, with internal and published modifications).

Labcorp Genetics (formerly Invitae), Labcorp
Classification: Likely benign. Last evaluated: 2023-04-17. Review status: criteria provided, single submitter. Criteria: Invitae Variant Classification Sherloc (09022015). Collection method: clinical testing. Allele origin: germline.